The following is an entry in ClinVar:

ClinVar aggregate classification (germline): Uncertain significance. Review status: criteria provided, multiple submitters, no conflicts (2 of 4 stars). 3 submissions from 3 submitters: Uncertain significance (3). Last evaluated 2025-02-18.

Conditions:
Pitt-Hopkins syndrome (PTHS). Also called: ENCEPHALOPATHY, SEVERE EPILEPTIC, WITH AUTONOMIC DYSFUNCTION; MENTAL RETARDATION, SYNDROMAL, WITH INTERMITTENT HYPERVENTILATION. Identifiers: Orphanet 2896, MedGen C1970431, MONDO:0012589, OMIM 610954.
Corneal dystrophy, Fuchs endothelial, 3 (FECD3). Also called: FCD2 LOCUS. Identifiers: Orphanet 98974, MedGen C2750451, MONDO:0013203, OMIM 613267.

Submissions (3):

Labcorp Genetics (formerly Invitae), Labcorp
Classification: Uncertain significance for Pitt-Hopkins syndrome. Last evaluated: 2025-02-18. Review status: criteria provided, single submitter. Criteria: Invitae Variant Classification Sherloc (09022015). Collection method: clinical testing. Allele origin: germline.
Comment: This sequence change replaces methionine, which is neutral and non-polar, with threonine, which is neutral and polar, at codon 217 of the TCF4 protein (p.Met217Thr). This variant is not present in population databases (gnomAD no frequency). This variant has not been reported in the literature in individuals affected with TCF4-related conditions. ClinVar contains an entry for this variant (Variation ID: 1302472). Invitae Evidence Modeling of protein sequence and biophysical properties (such as structural, functional, and spatial information, amino acid conservation, physicochemical variation, residue mobility, and thermodynamic stability) has been performed for this missense variant. However, the output from this modeling did not meet the statistical confidence thresholds required to predict the impact of this variant on TCF4 protein function. In summary, the available evidence is currently insufficient to determine the role of this variant in disease. Therefore, it has been classified as a Variant of Uncertain Significance.

Department of Pathology and Laboratory Medicine, Sinai Health System
Classification: Uncertain significance for Pitt-Hopkins syndrome; Corneal dystrophy, Fuchs endothelial, 3. Last evaluated: 2023-03-01. Review status: criteria provided, single submitter. Criteria: ACMG Guidelines, 2015. Collection method: research. Allele origin: germline.

GeneDx
Classification: Uncertain significance. Last evaluated: 2019-05-23. Review status: criteria provided, single submitter. Criteria: GeneDx Variant Classification Process June 2021. Collection method: clinical testing. Allele origin: germline. Affected: yes.
Comment: Not observed in large population cohorts (Lek et al., 2016); In silico analysis, which includes protein predictors and evolutionary conservation, supports a deleterious effect; Has not been previously published as pathogenic or benign to our knowledge

NM_001083962.2(TCF4):c.650T>C (p.Met217Thr)

Gene: TCF4 (transcription factor 4; minus strand). Cytogenetic location: 18q21.2.
Variant type: single nucleotide variant.
Coding change: c.650T>C on transcript NM_001083962.2 (MANE Select); coding-DNA position 650, T replaced by C.
Protein change: p.Met217Thr; replaces methionine 217 with threonine.
Molecular consequence: missense variant. On other transcripts: initiator codon variant (1).
Genome position (GRCh38, 1-based): chr18:55,279,556, A>G on the plus strand (T>C on the coding strand, the complement: TCF4 is on the minus strand). VCF-style: chr18-55279556-A-G. GRCh37 (hg19) VCF-style: chr18-52946787-A-G.
Other names: c.170T>C, p.Met57Thr (NM_001348216.2, NM_001348214.2, NM_001243234.2 and 2 more transcripts); c.578T>C, p.Met193Thr (NM_001348217.1, NM_001348218.2, NM_001348219.2 and 9 more transcripts); c.575T>C, p.Met192Thr (NM_001348220.1, NM_001369576.1, NM_001369578.1 and 3 more transcripts); c.650T>C, p.Met217Thr (NM_001369567.1, NM_001369568.1, NM_001369571.1 and 4 more transcripts); c.647T>C, p.Met216Thr (NM_001369569.1, NM_001369570.1, NM_001369573.1); c.437T>C, p.Met146Thr (NM_001306208.1, NM_001243232.1); c.260T>C, p.Met87Thr (NM_001330605.3, NM_001348212.2, NM_001348213.2 and 1 more transcripts); c.524T>C, p.Met175Thr (NM_001348211.2, NM_001243231.2); and 4 more; short protein forms M146T, M175T, M192T, M193T, M1T, M215T, M216T, M217T.
Identifiers: ClinVar variation 1302472 (VCV001302472.11), dbSNP rs2146263735, ClinGen allele CA402701722.